The following is an entry in ClinVar:

NM_014862.4(ARNT2):c.111G>A (p.Gly37=)

Gene: ARNT2 (aryl hydrocarbon receptor nuclear translocator 2; plus strand). Cytogenetic location: 15q25.1.
Variant type: single nucleotide variant.
Coding change: c.111G>A on transcript NM_014862.4 (MANE Select); coding-DNA position 111, G replaced by A.
Protein change: p.Gly37=; no amino-acid change (glycine 37 retained).
Molecular consequence: synonymous variant.
Genome position (GRCh38, 1-based): chr15:80,450,959, G>A. VCF-style: chr15-80450959-G-A. GRCh37 (hg19) VCF-style: chr15-80743300-G-A.
Identifiers: ClinVar variation 1933273 (VCV001933273.5), dbSNP rs1052322179, ClinGen allele CA274319126.

ClinVar aggregate classification (germline): Uncertain significance (1 of 4 stars; one submission).

Allele frequency attached by ClinVar (database versions not stated): gnomAD exomes 0.00001; TOPMed 0.00001.
gnomAD v4.1: 3 of 1,614,098 alleles (0.00019%); highest among the groups gnomAD compares: Admixed American, 0.0017%; no homozygotes.

Submission:

Labcorp Genetics (formerly Invitae), Labcorp
Classification: Uncertain significance. Last evaluated: 2022-07-20. Review status: criteria provided, single submitter. Criteria: Invitae Variant Classification Sherloc (09022015). Collection method: clinical testing. Allele origin: germline.
Comment: In summary, the available evidence is currently insufficient to determine the role of this variant in disease. Therefore, it has been classified as a Variant of Uncertain Significance. Algorithms developed to predict the effect of sequence changes on RNA splicing suggest that this variant may disrupt the consensus splice site. This variant has not been reported in the literature in individuals affected with ARNT2-related conditions. This variant is present in population databases (no rsID available, gnomAD 0.003%). This sequence change affects codon 37 of the ARNT2 mRNA. It is a 'silent' change, meaning that it does not change the encoded amino acid sequence of the ARNT2 protein.